The following is an entry in ClinVar:

ClinVar aggregate classification (germline): Likely pathogenic (1 of 4 stars; one submission).

Conditions:
Severe early-childhood-onset retinal dystrophy (STGD1). Also called: Stargardt macular dystrophy; Juvenile onset macular degeneration; Stargardt disease 1; MACULAR DYSTROPHY WITH FLECKS, TYPE 1; STGD. Identifiers: Orphanet 364055, Orphanet 827, MedGen C1855465, MeSH D000080362, MONDO:0009549, OMIM 248200.
Cone-rod dystrophy 3 (CORD3). Identifiers: Orphanet 1872, MedGen C1858806, MONDO:0011395, OMIM 604116.
Retinitis pigmentosa 19 (RP19). Also called: ABCA4-Related Retinitis Pigmentosa. Identifiers: Orphanet 791, MedGen C1866422, MONDO:0011137, OMIM 601718.

Submission:

Diagnostics Services (NGS), CSIR - Centre For Cellular And Molecular Biology
Classification: Likely pathogenic for Cone-rod dystrophy 3; Retinitis pigmentosa 19; Severe early-childhood-onset retinal dystrophy. Last evaluated: 2026-08-17. Review status: criteria provided, single submitter. Criteria: ACMG Guidelines, 2015. Collection method: clinical testing. Allele origin: germline. Affected: yes. Observed: 1 variant allele, 1 heterozygote.
Comment: The c.874_877del variant is not present in publicly available population databases like 1000 Genomes, EVS, gnomAD, Indian Exome Database, GenomeIndia Database or in our internal database. This variant has neither been published in the literature for ABCA4-related conditions nor reported to clinical databases like Human Genome Mutation Databases (HGMD), ClinVar or OMIM, in any affected individuals. In-silico pathogenicity prediction programs like MutationTaster2021, CADD, Franklin, Varsome etc., predicted this variant to be likely deleterious. This variant causes a frameshift at the 292nd amino acid position of the wild-type transcript which creates a premature translational stop signal at the altered transcript that may either result in translation of a truncated protein or cause nonsense mediated decay of the mRNA.

NM_000350.3(ABCA4):c.874_877del (p.Ser292fs)

Gene: ABCA4 (ATP binding cassette subfamily A member 4; minus strand). Cytogenetic location: 1p22.1.
Variant type: Deletion.
Coding change: c.874_877del on transcript NM_000350.3 (MANE Select); coding-DNA positions 874 to 877, 4 bases deleted (AGTA; older notation c.874_877delAGTA).
Protein change: p.Ser292fs; shifts the reading frame from serine 292.
Molecular consequence: frameshift variant.
Genome position (GRCh38, 1-based): chr1:94,080,700-94,080,703, TACT deleted on the plus strand (AGTA on the coding strand, the reverse complement: ABCA4 is on the minus strand). VCF-style (leftmost placement, unchanged base first): chr1-94080699-ATACT-A. GRCh37 (hg19) VCF-style: chr1-94546255-ATACT-A.
Other names: c.874_877del, p.Ser292fs (NM_001425324.1); short protein forms S292fs.
Identifiers: ClinVar variation 4974993 (VCV004974993.1).